The following is an entry in ClinVar:

NM_013975.4(LIG3):c.2683C>T (p.Gln895Ter)

Gene: LIG3 (DNA ligase 3; plus strand). Cytogenetic location: 17q12.
Variant type: single nucleotide variant.
Coding change: c.2683C>T on transcript NM_013975.4 (MANE Select); coding-DNA position 2683, C replaced by T.
Protein change: p.Gln895Ter; replaces glutamine 895 with a stop codon.
Molecular consequence: nonsense.
Genome position (GRCh38, 1-based): chr17:35,002,676, C>T. VCF-style: chr17-35002676-C-T. GRCh37 (hg19) VCF-style: chr17-33329695-C-T.
Other names: c.2683C>T, p.Gln895Ter (NM_002311.5); short protein forms Q895*.
Identifiers: ClinVar variation 4854516 (VCV004854516.1).
Genomic context (GRCh38, chr17:35,002,676, plus strand): 5'-GCTGGGACTATAGGTGTGCACCACCACACCCAGCTTCCTCTCTGTCCTGCAGGCAACATG[C>T]AGACTGCAAAGCCTTCCGCTATGAAGGTGGGGGAGAAGCTGGCCACAAAGTCTTCTCCAG-3'

ClinVar aggregate classification (germline): Likely pathogenic (1 of 4 stars; one submission).

Conditions:
Mitochondrial DNA depletion syndrome 20 (mngie type). Also called: MITOCHONDRIAL NEUROGASTROINTESTINAL ENCEPHALOMYOPATHY SYNDROME, LIG3-RELATED. Identifiers: MedGen C5676934, MONDO:0030696, OMIM 619780.

Submission:

3billion
Classification: Likely pathogenic for Mitochondrial DNA depletion syndrome 20 (mngie type). Last evaluated: 2025-06-13. Review status: criteria provided, single submitter. Criteria: ACMG Guidelines, 2015. Collection method: clinical testing. Allele origin: germline. Affected: yes.
Comment: The variant is not observed in the gnomAD v4.1.0 dataset. Predicted Consequence/Location: Stop-gained (nonsense): predicted to result in a loss or disruption of normal protein function through nonsense-mediated decay (NMD) or protein truncation. Multiple pathogenic variants are reported downstream of the variant. Therefore, this variant is classified as Likely pathogenic according to the recommendation of ACMG/AMP guideline.